The following is an entry in ClinVar:

ClinVar aggregate classification (germline): Uncertain significance. Review status: criteria provided, multiple submitters, no conflicts (2 of 4 stars). 3 submissions from 3 submitters: Uncertain significance (3). Last evaluated 2025-09-16.

Conditions:
Ehlers-Danlos syndrome, classic type, 1 (EDSCL1). Also called: Ehlers-Danlos syndrome, type 1; EHLERS-DANLOS SYNDROME, GRAVIS TYPE; EHLERS-DANLOS SYNDROME, SEVERE CLASSIC TYPE; Ehlers-Danlos Syndrome, Classic Type, COL5A1-Related; EDS I. Identifiers: MedGen C0268335, MONDO:0019567, OMIM 130000.
Familial thoracic aortic aneurysm and aortic dissection (TAAD). Also called: Thoracic aortic aneurysms and dissections. Identifiers: Orphanet 91387, MedGen C4707243, MONDO:0019625.

Allele frequency attached by ClinVar (database versions not stated): gnomAD exomes 0.00002; ESP Exome Variant Server 0.00008; TOPMed 0.00001; ExAC 0.00003.
gnomAD v4.1: 32 of 1,614,034 alleles (0.002%); highest among the groups gnomAD compares: Non-Finnish European, 0.0025%; no homozygotes.

Submissions (3):

Labcorp Genetics (formerly Invitae), Labcorp
Classification: Uncertain significance for Ehlers-Danlos syndrome, classic type, 1. Last evaluated: 2025-09-16. Review status: criteria provided, single submitter. Criteria: Invitae Variant Classification Sherloc (09022015). Collection method: clinical testing. Allele origin: germline.
Comment: This sequence change replaces leucine, which is neutral and non-polar, with serine, which is neutral and polar, at codon 823 of the COL5A2 protein (p.Leu823Ser). This variant is present in population databases (rs372904150, gnomAD 0.005%). This variant has not been reported in the literature in individuals affected with COL5A2-related conditions. ClinVar contains an entry for this variant (Variation ID: 333142). Invitae Evidence Modeling of protein sequence and biophysical properties (such as structural, functional, and spatial information, amino acid conservation, physicochemical variation, residue mobility, and thermodynamic stability) indicates that this missense variant is not expected to disrupt COL5A2 protein function with a negative predictive value of 80%. In summary, the available evidence is currently insufficient to determine the role of this variant in disease. Therefore, it has been classified as a Variant of Uncertain Significance.

Ambry Genetics
Classification: Uncertain significance for Familial thoracic aortic aneurysm and aortic dissection. Last evaluated: 2024-08-07. Review status: criteria provided, single submitter. Criteria: Ambry Variant Classification Scheme 2023. Collection method: clinical testing. Allele origin: germline.
Comment: The p.L823S variant (also known as c.2468T>C), located in coding exon 37 of the COL5A2 gene, results from a T to C substitution at nucleotide position 2468. The leucine at codon 823 is replaced by serine, an amino acid with dissimilar properties. This amino acid position is not well conserved in available vertebrate species. In addition, the in silico prediction for this alteration is inconclusive. Based on the available evidence, the clinical significance of this variant remains unclear.

GeneDx
Classification: Uncertain significance. Last evaluated: 2020-01-17. Review status: criteria provided, single submitter. Criteria: GeneDx Variant Classification Process June 2021. Collection method: clinical testing. Allele origin: germline. Affected: yes.
Comment: Has not been previously published as pathogenic or benign to our knowledge; Not observed at a significant frequency in large population cohorts (Lek et al., 2016); In silico analysis, which includes protein predictors and evolutionary conservation, supports that this variant does not alter protein structure/function

NM_000393.5(COL5A2):c.2468T>C (p.Leu823Ser)

Gene: COL5A2 (collagen type V alpha 2 chain; minus strand). Cytogenetic location: 2q32.2.
Variant type: single nucleotide variant.
Coding change: c.2468T>C on transcript NM_000393.5 (MANE Select); coding-DNA position 2468, T replaced by C.
Protein change: p.Leu823Ser; replaces leucine 823 with serine.
Molecular consequence: missense variant.
Genome position (GRCh38, 1-based): chr2:189,053,926, A>G on the plus strand (T>C on the coding strand, the complement: COL5A2 is on the minus strand). VCF-style: chr2-189053926-A-G. GRCh37 (hg19) VCF-style: chr2-189918652-A-G.
Other names: short protein forms L823S.
Identifiers: ClinVar variation 333142 (VCV000333142.9), dbSNP rs372904150, ClinGen allele CA2022312.